The following is an entry in ClinVar:

ClinVar aggregate classification (germline): Uncertain significance. Review status: criteria provided, multiple submitters, no conflicts (2 of 4 stars). 2 submissions from 2 submitters: Uncertain significance (2). Last evaluated 2025-06-11.

Conditions:
Inborn genetic diseases. Identifiers: MedGen C0950123, MeSH D030342.

Allele frequency attached by ClinVar (database versions not stated): gnomAD 0.00001.
gnomAD v4.1: 56 of 1,612,878 alleles (0.0035%); highest among the groups gnomAD compares: Non-Finnish European, 0.0047%; no homozygotes.

Submissions (2):

Ambry Genetics
Classification: Uncertain significance for Inborn genetic diseases. Last evaluated: 2025-06-11. Review status: criteria provided, single submitter. Criteria: Ambry Variant Classification Scheme 2023. Collection method: clinical testing. Allele origin: germline.

Labcorp Genetics (formerly Invitae), Labcorp
Classification: Uncertain significance. Last evaluated: 2021-12-23. Review status: criteria provided, single submitter. Criteria: Invitae Variant Classification Sherloc (09022015). Collection method: clinical testing. Allele origin: germline.
Comment: This sequence change replaces serine, which is neutral and polar, with phenylalanine, which is neutral and non-polar, at codon 1808 of the FRAS1 protein (p.Ser1808Phe). This variant is present in population databases (no rsID available, gnomAD 0.007%). This variant has not been reported in the literature in individuals affected with FRAS1-related conditions. Algorithms developed to predict the effect of missense changes on protein structure and function are either unavailable or do not agree on the potential impact of this missense change (SIFT: "Deleterious"; PolyPhen-2: "Possibly Damaging"; Align-GVGD: "Class C0"). In summary, the available evidence is currently insufficient to determine the role of this variant in disease. Therefore, it has been classified as a Variant of Uncertain Significance.

NM_025074.7(FRAS1):c.5423C>T (p.Ser1808Phe)

Gene: FRAS1 (Fraser extracellular matrix complex subunit 1; plus strand). Cytogenetic location: 4q21.21.
Variant type: single nucleotide variant.
Coding change: c.5423C>T on transcript NM_025074.7 (MANE Select); coding-DNA position 5423, C replaced by T.
Protein change: p.Ser1808Phe; replaces serine 1808 with phenylalanine.
Molecular consequence: missense variant.
Genome position (GRCh38, 1-based): chr4:78,438,958, C>T. VCF-style: chr4-78438958-C-T. GRCh37 (hg19) VCF-style: chr4-79360112-C-T.
Other names: c.5423C>T, p.Ser1808Phe (NM_001166133.2); c.5423C>T (NM_025074.6); short protein forms S1808F.
Identifiers: ClinVar variation 1895923 (VCV001895923.3), dbSNP rs997104105, ClinGen allele CA99962416.